The following continues an entry in ClinVar:

NM_001370259.2(MEN1):c.1546dup (p.Arg516fs)

Gene: MEN1. ClinVar aggregate classification (germline): Pathogenic. Pathogenic (15).

Submissions 9 to 17 of 17:

ARUP Laboratories, Molecular Genetics and Genomics, ARUP Laboratories
Classification: Pathogenic. Last evaluated: 2023-03-20. Review status: criteria provided, single submitter. Criteria: ARUP Molecular Germline Variant Investigation Process 2024. Collection method: clinical testing. Allele origin: germline.
Comment: The MEN1 c.1546dup; p.Arg516ProfsTer15 variant (rs767319284), also known as 1561dupC, 1650insC, 1656dupC, or 1657insC, is reported in the literature in multiple individuals and families affected with multiple endocrine neoplasia type 1 (Cardinal 2005, de Laat 2014, Ebeling 2004, Karageorgiadis 2015, Kytola 2001, Pieterman 2012). This variant is reported as pathogenic by multiple laboratories in ClinVar (Variation ID: 279852). This variant results in a premature termination codon in the last exon of the MEN1 gene. While this may not lead to nonsense-mediated decay, it is expected to create a truncated protein, and other downstream pathogenic truncating variants have been reported in families with multiple endocrine neoplasia type 1 (Cardinal 2005, Pieterman 2012). Based on available information, this variant is considered to be pathogenic. References: Cardinal JW et al. A report of a national mutation testing service for the MEN1 gene: clinical presentations and implications for mutation testing. J Med Genet. 2005 Jan;42(1):69-74. PMID: 15635078. de Laat JM et al. Natural course and survival of neuroendocrine tumors of thymus and lung in MEN1 patients. J Clin Endocrinol Metab. 2014 Sep;99(9):3325-33. PMID: 24915123. Ebeling T et al. Effect of multiple endocrine neoplasia type 1 (MEN1) gene mutations on premature mortality in familial MEN1 syndrome with founder mutations. J Clin Endocrinol Metab. 2004 Jul;89(7):3392-6. Karageorgiadis AS et al. Ectopic adrenocorticotropic hormone and corticotropin-releasing hormone co-secreting tumors in children and adolescents causing cushing syndrome: a diagnostic dilemma and how to solve it. J Clin Endocrinol Metab. 2015 Jan;100(1):141-8. PMID: 15240620. Kytola S et al. Founder effect in multiple endocrine neoplasia type 1 (MEN 1) in Finland. J Med Genet. 2001 Mar;38(3):185-9. PMID: 11303512. Pieterman CR et al. Primary hyperparathyroidism in MEN1 patients: a cohort study with longterm follow-up on preferred surgical procedure and the relation with genotype. Ann Surg. 2012 Jun;255(6):1171-8. PMID: 22470073.

Ambry Genetics
Classification: Pathogenic for Hereditary cancer-predisposing syndrome. Last evaluated: 2023-01-24. Review status: criteria provided, single submitter. Criteria: Ambry Variant Classification Scheme 2023. Collection method: clinical testing. Allele origin: germline.
Comment: The c.1546dupC pathogenic mutation, located in coding exon 9 of the MEN1 gene, results from a duplication of C at nucleotide position 1546, causing a translational frameshift with a predicted alternate stop codon (p.R516Pfs*15). This mutation has been reported in several families affected with multiple endocrine neoplasia type 1 (MEN1) (Zha BB et al. Chinese Med J. 2010;123(5):569-573; Pieterman CR et al. Ann Surg. 2012 Jun;255(6):1171-8; Cardinal JW et al. J. Med. Genet., 2005 Jan;42:69-74; Pardi E et al. PLoS ONE. 2017 Oct;12(10):e0186485). This mutation was also reported in an early onset sporadic case of MEN1 (Boguszewski CL et al. Arq Bras Endocrinol Metabol. 2010 Nov;54(8):705-10) and in a patient with primary hyperparathyroidism (Lemos MC & Thakker RV Hum. Mutat. 2008 Jan; 29(1):22-32). Of note, this mutation is also designated as c.1546_1547insC, p.Arg521fsX15, and c.1561dup (p.Arg521fs) in the published literature. In addition to the clinical data presented in the literature, this alteration is expected to result in loss of function by premature protein truncation. Based on the supporting evidence, this alteration is interpreted as a disease-causing mutation.

Women's Health and Genetics/Laboratory Corporation of America, LabCorp
Classification: Pathogenic for Multiple endocrine neoplasia, type 1. Last evaluated: 2022-07-28. Review status: criteria provided, single submitter. Criteria: LabCorp Variant Classification Summary - May 2015. Collection method: clinical testing. Allele origin: germline.
Comment: Variant summary: MEN1 c.1546dupC (p.Arg516ProfsX15) results in a premature termination codon, predicted to cause a truncation of the encoded protein or absence of the protein due to nonsense mediated decay, which are commonly known mechanisms for disease. Truncations downstream of this position have been classified as pathogenic by our laboratory. The variant allele was found at a frequency of 2.1e-05 in 237028 control chromosomes. c.1546dupC has been reported in the literature as a common pathogenic mutation in numerous individuals affected with Multiple Endocrine Neoplasia Type 1 and was shown to segregate with disease (examples: Kytola_2001, Bassett_1998, Romanet_2019, etc). Seven clinical diagnostic laboratories have submitted clinical-significance assessments for this variant to ClinVar after 2014 without evidence for independent evaluation. All laboratories classified the variant as pathogenic. Based on the evidence outlined above, the variant was classified as pathogenic.

GeneDx
Classification: Pathogenic. Last evaluated: 2022-06-03. Review status: criteria provided, single submitter. Criteria: GeneDx Variant Classification Process June 2021. Collection method: clinical testing. Allele origin: germline. Affected: yes.
Comment: Frameshift variant predicted to result in protein truncation in a gene for which loss-of-function is a known mechanism of disease; Published functional studies demonstrate a damaging effect: impaired nuclear localization of protein compared to wild-type (Ikeo 1999); Not observed at significant frequency in large population cohorts (gnomAD); Also known as c.1561dup, c.1650insC, c.1657insC, and c.7773insC; This variant is associated with the following publications: (PMID: 9463336, 11836268, 20660572, 28701629, 9361035, 10993647, 17879353, 17065424, 15714081, 12652570, 10576763, 10812010, 10849016, 9709921, 12050235, 14985373, 11058905, 11524904, 15670192, 12112656, 9747036, 21340156, 27038812, 11034102, 15240620, 11303512, 19041010, 25291050, 9215689, 15635078, 9683585, 15730416, 22470073, 29036195, 30324798, 20367983, 12213668, 17853334, 23321498, 24915123, 10595737, 34160414)

Laboratory for Molecular Medicine, Mass General Brigham Personalized Medicine
Classification: Pathogenic for Multiple endocrine neoplasia, type 1. Last evaluated: 2019-12-11. Review status: criteria provided, single submitter. Criteria: ACMG Guidelines, 2015. Collection method: clinical testing. Allele origin: germline. Inheritance: Autosomal dominant inheritance.
Comment: The p.Arg521fs (as known as p.Arg516fs on transcript NM_130799.2) variant in MEN1 has been reported in >20 individuals with familial hyperparathyroidism or multiple endocrine neoplasia type 1 and segregated in >5 affected individuals from 1 Finnish family (The 1998, Kytola 2001, Warner 2004, de Laat 2014, Pieterman 2012). This variant has been reported in ClinVar (Variation ID# 279852) and was absent from large population studies. This variant is predicted to cause a frameshift, which alters the protein’s amino acid sequence beginning at position 521 and leads to a premature termination codon 15 amino acids downstream. This termination codon occurs within the terminal 50 bases of the last exon and is more likely to escape nonsense mediated decay (NMD) and result in a truncated protein. In summary, this variant meets criteria to be classified as pathogenic for multiple endocrine neoplasia type 1 in an autosomal dominant manner. ACMG/AMP Criteria applied: PS4, PVS1_Strong, PM2, PP1_Moderate.

CeGaT Center for Human Genetics Tuebingen
Classification: Pathogenic. Last evaluated: 2019-09-01. Review status: criteria provided, single submitter. Criteria: CeGaT Center For Human Genetics Tuebingen Variant Classification Criteria Version 2. Collection method: clinical testing. Allele origin: germline. Affected: yes. Observed: 1 variant allele.

Center for Human Genetics, Inc
Classification: Pathogenic for Multiple endocrine neoplasia, type 1. Last evaluated: 2016-11-01. Review status: criteria provided, single submitter. Criteria: ACMG Guidelines, 2015. Collection method: clinical testing. Allele origin: germline. Affected: yes.

OMIM
Classification: Pathogenic for MULTIPLE ENDOCRINE NEOPLASIA, TYPE I. Last evaluated: 2004-07-01. Review status: no assertion criteria provided. Collection method: literature only. Allele origin: germline. Not counted in ClinVar's aggregate classification.

OMIM
Classification: Pathogenic for CARCINOID TUMOR OF LUNG. Last evaluated: 1997-12-01. Review status: no assertion criteria provided. Collection method: literature only. Allele origin: germline. Not counted in ClinVar's aggregate classification.

Literature cited by the submitters: PubMed 9215689 (cited by 5 submitters); PubMed 15635078 (cited by 6 submitters); PubMed 21340156 (cited by 4 submitters); PubMed 22470073 (cited by 6 submitters); PubMed 24915123 (cited by 4 submitters); PubMed 25291050 (cited by 4 submitters); PubMed 12112656 (cited by Labcorp Genetics (formerly Invitae), Labcorp and All of Us Research Program, National Institutes of Health); PubMed 12213668 (cited by Labcorp Genetics (formerly Invitae), Labcorp); PubMed 15670192 (cited by Labcorp Genetics (formerly Invitae), Labcorp); PubMed 17065424 (cited by Labcorp Genetics (formerly Invitae), Labcorp); PubMed 17853334 (cited by Labcorp Genetics (formerly Invitae), Labcorp and All of Us Research Program, National Institutes of Health); PubMed 23321498 (cited by Labcorp Genetics (formerly Invitae), Labcorp and Department of Pathology and Laboratory Medicine, Sinai Health System); PubMed 35696052 (cited by 3 submitters); PubMed 34160414 (cited by Department of Pathology and Laboratory Medicine, Sinai Health System and All of Us Research Program, National Institutes of Health); PubMed 32299109 (cited by Department of Pathology and Laboratory Medicine, Sinai Health System and All of Us Research Program, National Institutes of Health); PubMed 30339208 (cited by Department of Pathology and Laboratory Medicine, Sinai Health System and Women's Health and Genetics/Laboratory Corporation of America, LabCorp); PubMed 29036195 (cited by 4 submitters); PubMed 19041010 (cited by Department of Pathology and Laboratory Medicine, Sinai Health System and Ambry Genetics); PubMed 17623761 (cited by Department of Pathology and Laboratory Medicine, Sinai Health System and All of Us Research Program, National Institutes of Health); PubMed 15240620 (cited by 3 submitters); PubMed 14985373 (cited by Department of Pathology and Laboratory Medicine, Sinai Health System and Laboratory for Molecular Medicine, Mass General Brigham Personalized Medicine); PubMed 9709921 (cited by Department of Pathology and Laboratory Medicine, Sinai Health System and Laboratory for Molecular Medicine, Mass General Brigham Personalized Medicine); PubMed 30324798 (cited by Athena Diagnostics and Quest Diagnostics Nichols Institute San Juan Capistrano); PubMed 33087929 (cited by Athena Diagnostics and Quest Diagnostics Nichols Institute San Juan Capistrano); PubMed 17879353 (cited by 4 submitters); PubMed 10595737 (cited by Athena Diagnostics and Quest Diagnostics Nichols Institute San Juan Capistrano); PubMed 9361035 (cited by 3 submitters); PubMed 9463336 (cited by All of Us Research Program, National Institutes of Health and Women's Health and Genetics/Laboratory Corporation of America, LabCorp); PubMed 11303512 (cited by 3 submitters); PubMed 11579199 (cited by All of Us Research Program, National Institutes of Health and OMIM); PubMed 20833329 (cited by All of Us Research Program, National Institutes of Health).